The following is an entry in ClinVar:

NM_002834.5(PTPN11):c.1381G>A (p.Ala461Thr)

Gene: PTPN11 (protein tyrosine phosphatase non-receptor type 11; plus strand). Cytogenetic location: 12q24.13.
Variant type: single nucleotide variant.
Coding change: c.1381G>A on transcript NM_002834.5 (MANE Select); coding-DNA position 1381, G replaced by A.
Protein change: p.Ala461Thr; replaces alanine 461 with threonine.
Molecular consequence: missense variant.
Genome position (GRCh38, 1-based): chr12:112,488,444, G>A. VCF-style: chr12-112488444-G-A. GRCh37 (hg19) VCF-style: chr12-112926248-G-A.
Other names: p.A461T:GCT>ACT; NM_002834.5(PTPN11):c.1381G>A; c.1393G>A, p.Ala465Thr (NM_001330437.2); c.1378G>A, p.Ala460Thr (NM_001374625.1); short protein forms A461T, A465T, A460T.
Identifiers: ClinVar variation 13342 (VCV000013342.45), dbSNP rs121918468, ClinGen allele CA261534.

ClinVar aggregate classification (germline): Pathogenic. Review status: reviewed by expert panel (3 of 4 stars). 15 submissions from 15 submitters: Pathogenic (1). 14 of the submissions do not count toward it. Last evaluated 2025-09-09.
ClinVar aggregate classification (somatic clinical impact): Tier I - Strong. Review status: criteria provided, single submitter (1 of 4 stars). 2 submissions from 1 submitter. 1 of the submissions does not count toward it. Last evaluated 2024-05-16.

Conditions:
Autosomal dominant PTPN11-related disorders.
PTPN11-related disorder. Also called: PTPN11-Related Disorders.
RASopathy. Also called: rasopathies; Noonan spectrum disorder. Identifiers: Orphanet 536391, MedGen C5555857, MONDO:0021060.
LEOPARD syndrome 1 (LPRD1). Also called: PTPN11-Related LEOPARD Syndrome; LENTIGINOSIS, CARDIOMYOPATHIC; MULTIPLE LENTIGINES SYNDROME. Identifiers: Orphanet 500, MedGen C4551484, MONDO:0100082, OMIM 151100.
Noonan syndrome with multiple lentigines. Identifiers: Orphanet 500, MedGen C0175704, MONDO:0007893.
Noonan syndrome 1 (NS1). Also called: PTPN11-Related Noonan Syndrome; FEMALE PSEUDO-TURNER SYNDROME; TURNER PHENOTYPE WITH NORMAL KARYOTYPE. Identifiers: Orphanet 648, MedGen C4551602, MONDO:0008104, OMIM 163950. Disease mechanism: gain of function.
Diffuse midline glioma, H3 K27M-mutant. Identifiers: MedGen C4289688, MONDO:0957196.
Embryonal rhabdomyosarcoma (ERMS). Also called: Botryoid rhabdomyosarcoma (type of ERMS); Spindle cell rhabdomyosarcomas (type of ERMS). Identifiers: Orphanet 99757, MedGen C0206656, MONDO:0009993, HP:0006743.

Submissions 1 to 7 of 17:

ClinGen RASopathy Variant Curation Expert Panel
Classification: Pathogenic for RASopathy. Last evaluated: 2025-09-09. Review status: reviewed by expert panel. Criteria: ClinGen RASopathy ACMG Specifications PTPN11 V2.3.0. Collection method: curation. Allele origin: germline. Inheritance: Autosomal dominant inheritance.
Comment: The NM_002834.5:c.1381G>A variant in PTPN11 is a missense variant predicted to cause substitution of alanine by threonine at amino acid 461 (p.Ala461Thr). This variant is absent from gnomAD v2.1.1 (PM2_Supporting). The computational predictor REVEL gives a score of 0.977, which is above the threshold of 0.7, evidence that correlates with impact to PTPN11 function (PP3). The variant is located in the PTPN11 gene, which has been defined by the ClinGen RASopathy Expert Panel as a gene with a low rate of benign missense variants and pathogenic missense variants are common (PP2). Three different missense variants, c.1381G>T(p.Ala461Ser); c.1382C>T (p.Ala461Val); c.1382C>G (p.Ala461Gly), in the same codon have been reported in patients with RASopathy (ClinVar Variation ID: 40546, 1440650, 55798). However, these variants have not yet met the criteria to be classified as pathogenic or likely pathogenic by the ClinGen RASopathy VCEP (PM5 not met). The p.Ala461Thr variant has been identified in seven probands with RASopathies, of which three were reported to be de novo occurrences with unconfirmed parentage (PS4, PM6_Strong; PMIDs: 15389709, 15470362, 23799168, 26918529, 36304179, 35885957). In vitro functional studies, Shp2 phosphatase assay and phospho-ERK assay, showed decreased EGF-stimulated Shp2 activity and increased ERK1/2 phosphorylation respectively for the p.Ala461Thr mutant compared to wild-type (PS3_moderate; PMID: 16377799, 24935154). In summary, this variant meets the criteria to be classified as pathogenic for autosomal dominant RASopathy based on the ACMG/AMP criteria applied, as specified by the ClinGen RASopathy VCEP: PS4, PM6_Strong, PS3_Moderate, PM2_Supporting, PP2, PP3 (VCEP specifications version 2.3.0).

PreventionGenetics, part of Exact Sciences
Classification: Pathogenic for PTPN11-related condition. Last evaluated: 2026-03-03. Review status: criteria provided, single submitter. Criteria: ACMG Guidelines, 2015. Collection method: clinical testing. Allele origin: germline. Not counted in ClinVar's aggregate classification.
Comment: The PTPN11 c.1381G>A variant is predicted to result in the amino acid substitution p.Ala461Thr. This variant has been documented in at least four individuals with Noonan syndrome with multiple lentigines (Sarkozy et al. 2004. PubMed ID: 15470362; Yoshida et al. 2004. PubMed ID: 15389709; Chu et al. 2013. PubMed ID: 23799168; van Nierop et al. 2017. PubMed ID: 28483241) and was de novo in at least two of these individuals (Sarkozy et al. 2004. PubMed ID: 15470362; Chu et al. 2013. PubMed ID: 23799168). Additionally, this variant was found in three prenatal cases with cystic hygroma with or without congenital heart defects (Hakami et al. 2016. PubMed ID: 26918529; Table S2 - Leach et al. 2019. PubMed ID: 29907801). Two studies found the p.Ala461Thr variant imparts a dominant-negative effect resulting in a reduction in RAS pathway signaling (Kontaridis et al. 2006. PubMed ID: 16377799; Stewart et al. 2010. PubMed ID: 20493809). Consistent with the previous studies, another found the variant does result in lower catalytic activity; however, the activation of PTPN11 was prolonged (Yu et al. 2014. PubMed ID: 24935154). This variant has not been reported in a large population database (gnomAD), indicating this variant is rare. This variant has been interpreted as pathogenic by multiple labs in the ClinVar database (Variation ID: 13342). This variant is interpreted as pathogenic.

Variantyx, Inc.
Classification: Pathogenic for Autosomal dominant PTPN11-related disorders. Last evaluated: 2026-01-12. Review status: criteria provided, single submitter. Criteria: Variantyx Assertion Criteria 2022. Collection method: clinical testing. Allele origin: de novo. Inheritance: Autosomal dominant inheritance. Affected: yes. Not counted in ClinVar's aggregate classification.
Comment: This is a nonsynonymous variant in the PTPN11 gene (OMIM: 176876). Pathogenic variants in this gene have been associated with autosomal dominant PTPN11-related disorders. This variant has been reported in at least 6 unrelated affected individual(s) (PMID: 32573669, 35885957, 26918529, 15470362, 15389709 ) (PS4_Moderate). Functional studies have shown that this variant alters PTPN11 protein function (PMID: 20493809, 24718990, 24935154) (PS3_Moderate), and multiple computational algorithms predict a deleterious effect for this variant (REVEL score: 0.977) (PP3). Mreover, an alternate amino acid change at this position (p.Ala461Ser) has been previously reported in similarly affected individuals, which suggests that this residue is biologically important (PMID: 19659470, 24790373) (PM5). This variant is absent from control populations (PM2). Based on the evidence, this variant is classified as pathogenic for autosomal dominant PTPN11-related disorders.

Institute of Medical Genetics and Applied Genomics, University Hospital Tübingen
Classification: Pathogenic for LEOPARD syndrome 1. Last evaluated: 2025-08-20. Review status: criteria provided, single submitter. Criteria: ACMG Guidelines, 2015. Collection method: clinical testing. Allele origin: de novo. Inheritance: Autosomal dominant inheritance. Affected: yes. Not counted in ClinVar's aggregate classification.

Genomic Medicine Center of Excellence, King Faisal Specialist Hospital and Research Centre
Classification: Pathogenic for Noonan syndrome 1. Last evaluated: 2024-09-02. Review status: criteria provided, single submitter. Criteria: ACMG Guidelines, 2015. Collection method: clinical testing. Allele origin: germline. Not counted in ClinVar's aggregate classification.

Institute for Genomic Medicine (IGM) Clinical Laboratory, Nationwide Children's Hospital
Classification: Tier I - Strong for Embryonal rhabdomyosarcoma. Assertion type: diagnostic. Clinical significance: supports diagnosis. Last evaluated: 2024-05-16. Review status: criteria provided, single submitter. Criteria: AMP/ASCO/CAP Guidelines, 2017. Collection method: clinical testing. Allele origin: somatic. Affected: yes.
Comment: Variant has Tier I (strong) clinical significance as a diagnostic inclusion criterion in embryonal rhabdomyosarcoma, based on the following evidence: 1) Documented in one or more cancer databases (e.g., St. Jude Pecan, COSMIC, CIViC, OncoKB). 2) Information in the literature supports potential biologic effect of variant (PMIDs: 16377799, 24935154). 3) Diagnostic for a specific tumor type/classification based on well-powered studies with expert-level consensus (Evidence Level B; PMIDs: 24436047, 34166060, 26138366, 16518851, 19681119, 22142829).

Institute for Genomic Medicine (IGM) Clinical Laboratory, Nationwide Children's Hospital
Classification: Tier II - Potential for Diffuse midline glioma, H3 K27M-mutant. Assertion type: diagnostic. Clinical significance: supports diagnosis. Last evaluated: 2023-04-11. Review status: criteria provided, single submitter. Criteria: AMP/ASCO/CAP Guidelines, 2017. Collection method: clinical testing. Allele origin: somatic. Affected: yes. Not counted in ClinVar's aggregate classification.
Comment: Variant has Tier II (potential) clinical significance as a diagnostic inclusion criterion in diffuse midline glioma, H3 K27M-mutant, based on the following evidence: 1) Documented in one or more cancer databases (e.g., St. Jude Pecan, COSMIC, CIViC, OncoKB). 2) Information in the literature supports potential biologic effect of variant (PMIDs: 16377799, 24935154). 3) Diagnostic significance based on multiple small studies (Evidence Level C; PMIDs: 28966033, 29763623, 28912153, 35697228).